The following is an entry in ClinVar:

ClinVar aggregate classification (germline): Uncertain significance (1 of 4 stars; one submission).

Conditions:
Multiple endocrine neoplasia, type 2 (MEN2). Identifiers: Orphanet 653, MedGen C4048306, MONDO:0019003. Disease mechanism: gain of function.

Submission:

Labcorp Genetics (formerly Invitae), Labcorp
Classification: Uncertain significance for Multiple endocrine neoplasia, type 2. Last evaluated: 2023-03-17. Review status: criteria provided, single submitter. Criteria: Invitae Variant Classification Sherloc (09022015). Collection method: clinical testing. Allele origin: germline.
Comment: In summary, the available evidence is currently insufficient to determine the role of this variant in disease. Therefore, it has been classified as a Variant of Uncertain Significance. Variants that disrupt the consensus splice site are a relatively common cause of aberrant splicing (PMID: 17576681, 9536098). Algorithms developed to predict the effect of sequence changes on RNA splicing suggest that this variant is not likely to affect RNA splicing. This variant has not been reported in the literature in individuals affected with RET-related conditions. This variant is not present in population databases (gnomAD no frequency). This sequence change falls in intron 1 of the RET gene. It does not directly change the encoded amino acid sequence of the RET protein. It affects a nucleotide within the consensus splice site.

Literature cited by the submitters: PubMed 17576681; PubMed 9536098.

NM_020975.6(RET):c.73+3G>A

Gene: RET (ret proto-oncogene; plus strand). Cytogenetic location: 10q11.21.
Variant type: single nucleotide variant.
Coding change: c.73+3G>A on transcript NM_020975.6 (MANE Select); 3 bases into the intron after coding-DNA position 73, G replaced by A.
Molecular consequence: intron variant.
Genome position (GRCh38, 1-based): chr10:43,077,334, G>A. VCF-style: chr10-43077334-G-A. GRCh37 (hg19) VCF-style: chr10-43572782-G-A.
Other names: c.73+3G>A (NM_020630.7, NM_001406743.1, NM_001406744.1 and 36 more transcripts).
Identifiers: ClinVar variation 2809347 (VCV002809347.3), dbSNP rs2491937252, ClinGen allele CA2608894565.